The following is an entry in ClinVar:

ClinVar aggregate classification (germline): Uncertain significance (1 of 4 stars; one submission).

gnomAD v4.1: 9 of 1,614,072 alleles (0.00056%); highest among the groups gnomAD compares: East Asian, 0.011%; no homozygotes.

Submission:

Labcorp Genetics (formerly Invitae), Labcorp
Classification: Uncertain significance. Last evaluated: 2024-12-25. Review status: criteria provided, single submitter. Criteria: Invitae Variant Classification Sherloc (09022015). Collection method: clinical testing. Allele origin: germline.
Comment: This sequence change replaces threonine, which is neutral and polar, with isoleucine, which is neutral and non-polar, at codon 33 of the RPL9 protein (p.Thr33Ile). This variant is present in population databases (rs186201502, gnomAD 0.02%). This variant has not been reported in the literature in individuals affected with RPL9-related conditions. An algorithm developed to predict the effect of missense changes on protein structure and function outputs the following: PolyPhen-2: "Benign". The isoleucine amino acid residue is found in multiple mammalian species, which suggests that this missense change does not adversely affect protein function. In summary, the available evidence is currently insufficient to determine the role of this variant in disease. Therefore, it has been classified as a Variant of Uncertain Significance.

NM_000661.5(RPL9):c.98C>T (p.Thr33Ile)

Gene: RPL9 (ribosomal protein L9; minus strand). Cytogenetic location: 4p14.
Variant type: single nucleotide variant.
Coding change: c.98C>T on transcript NM_000661.5 (MANE Select); coding-DNA position 98, C replaced by T.
Protein change: p.Thr33Ile; replaces threonine 33 with isoleucine.
Molecular consequence: missense variant.
Genome position (GRCh38, 1-based): chr4:39,458,258, G>A on the plus strand (C>T on the coding strand, the complement: RPL9 is on the minus strand). VCF-style: chr4-39458258-G-A. GRCh37 (hg19) VCF-style: chr4-39459878-G-A.
Other names: c.98C>T, p.Thr33Ile (NM_001024921.4); short protein forms T33I.
Identifiers: ClinVar variation 3710952 (VCV003710952.2).